The following is an entry in ClinVar:

NM_002880.4(RAF1):c.834+1396T>C

Gene: RAF1 (Raf-1 proto-oncogene, serine/threonine kinase; minus strand). Cytogenetic location: 3p25.2.
Variant type: single nucleotide variant.
Coding change: c.834+1396T>C on transcript NM_002880.4 (MANE Select); 1396 bases into the intron after coding-DNA position 834, T replaced by C.
Molecular consequence: intron variant.
Genome position (GRCh38, 1-based): chr3:12,602,740, A>G on the plus strand (T>C on the coding strand, the complement: RAF1 is on the minus strand). VCF-style: chr3-12602740-A-G. GRCh37 (hg19) VCF-style: chr3-12644239-A-G.
Other names: c.492+1396T>C (NM_001354695.3); c.591+1396T>C (NM_001354692.3, NM_001354691.3); c.651+738T>C (NM_001354694.3); c.735+1396T>C (NM_001354693.3); c.894+738T>C (NM_001354689.3); c.834+1396T>C (NM_001354690.3).
Identifiers: ClinVar variation 2653545 (VCV002653545.24), dbSNP rs140424586, ClinGen allele CA69618533.

ClinVar aggregate classification (germline): Benign (1 of 4 stars; one submission).

Allele frequency attached by ClinVar (database versions not stated): 1000 Genomes Project 0.00419; 1000 Genomes Project 30x 0.00437; gnomAD 0.00437; TOPMed 0.00518.
gnomAD v4.1: 657 of 152,328 alleles (0.43%); highest among the groups gnomAD compares: African/African-American, 1.4%; 7 homozygotes.

Submission:

CeGaT Center for Human Genetics Tuebingen
Classification: Benign. Last evaluated: 2026-07-01. Review status: criteria provided, single submitter. Criteria: CeGaT Center For Human Genetics Tuebingen Variant Classification Criteria Version 2. Collection method: clinical testing. Allele origin: germline. Affected: yes. Observed: 3 variant alleles.
Comment: RAF1: BS1, BS2